The following is an entry in ClinVar:

ClinVar aggregate classification (germline): Likely pathogenic (1 of 4 stars; one submission).

Conditions:
Arginine:glycine amidinotransferase deficiency (CCDS3). Also called: L-Arginine:Glycine Amidinotransferase (AGAT) Deficiency; AGAT deficiency; L-Arginine:Glycine Amidinotransferase Deficiency; Creatine deficiency syndrome due to AGAT deficiency; GATM deficiency; Cerebral creatine deficiency syndrome 3. Identifiers: Orphanet 35704, MedGen C2675179, MONDO:0012996, OMIM 612718.

Submission:

Labcorp Genetics (formerly Invitae), Labcorp
Classification: Likely pathogenic for Arginine:glycine amidinotransferase deficiency. Last evaluated: 2023-10-06. Review status: criteria provided, single submitter. Criteria: Invitae Variant Classification Sherloc (09022015). Collection method: clinical testing. Allele origin: germline.
Comment: This sequence change affects an acceptor splice site in intron 7 of the GATM gene. It is expected to disrupt RNA splicing. Variants that disrupt the donor or acceptor splice site typically lead to a loss of protein function (PMID: 16199547), and loss-of-function variants in GATM are known to be pathogenic (PMID: 11555793). This variant is not present in population databases (gnomAD no frequency). This variant has not been reported in the literature in individuals affected with GATM-related conditions. Algorithms developed to predict the effect of sequence changes on RNA splicing suggest that this variant may disrupt the consensus splice site. In summary, the currently available evidence indicates that the variant is pathogenic, but additional data are needed to prove that conclusively. Therefore, this variant has been classified as Likely Pathogenic.

Literature cited by the submitters: PubMed 16199547; PubMed 11555793.

NM_001482.3(GATM):c.1043-1G>C

Gene: GATM (glycine amidinotransferase; minus strand). Cytogenetic location: 15q21.1.
Variant type: single nucleotide variant.
Coding change: c.1043-1G>C on transcript NM_001482.3 (MANE Select); the canonical splice acceptor site of the intron before coding-DNA position 1043, G replaced by C.
Molecular consequence: splice acceptor variant.
Genome position (GRCh38, 1-based): chr15:45,364,017, C>G on the plus strand (G>C on the coding strand, the complement: GATM is on the minus strand). VCF-style: chr15-45364017-C-G. GRCh37 (hg19) VCF-style: chr15-45656215-C-G.
Other names: c.656-1G>C (NM_001321015.2).
Identifiers: ClinVar variation 2747701 (VCV002747701.3), dbSNP rs2541984266, ClinGen allele CA392256218.